The following is an entry in ClinVar:

ClinVar aggregate classification (germline): Uncertain significance. Review status: criteria provided, multiple submitters, no conflicts (2 of 4 stars). 5 submissions from 5 submitters: Uncertain significance (5). Last evaluated 2026-07-07.

Conditions:
Hereditary cancer-predisposing syndrome. Also called: Hereditary Cancer Syndrome; Tumor predisposition; Hereditary neoplastic syndrome; Neoplastic Syndromes, Hereditary. Identifiers: Orphanet 140162, MedGen C0027672, MeSH D009386, MONDO:0015356.
Peutz-Jeghers syndrome (PJS). Also called: Peutz-Jeghers polyposis; Periorificial lentiginosis syndrome; POLYPOSIS, HAMARTOMATOUS INTESTINAL; POLYPS-AND-SPOTS SYNDROME. Identifiers: Orphanet 2869, MedGen C0031269, MeSH D010580, MONDO:0008280, OMIM 175200.

Submissions (5):

Ambry Genetics
Classification: Uncertain significance for Hereditary cancer-predisposing syndrome. Last evaluated: 2026-07-07. Review status: criteria provided, single submitter. Criteria: Ambry Variant Classification Scheme 2023. Collection method: clinical testing. Allele origin: germline.
Comment: The p.T212I variant (also known as c.635C>T), located in coding exon 5 of the STK11 gene, results from a C to T substitution at nucleotide position 635. The threonine at codon 212 is replaced by isoleucine, an amino acid with similar properties. This amino acid position is conserved. In addition, the in silico prediction for this alteration is inconclusive. Based on the available evidence, the clinical significance of this variant remains unclear.

All of Us Research Program, National Institutes of Health
Classification: Uncertain significance for Peutz-Jeghers syndrome. Last evaluated: 2024-09-23. Review status: criteria provided, single submitter. Criteria: ACMG Guidelines, 2015. Collection method: clinical testing. Allele origin: germline. Inheritance: Autosomal dominant inheritance. Observed: 1 variant allele, 1 heterozygote.
Comment: This study involves interpretation of variants in research participants for the purpose of population health screening. Participant phenotype was not available at the time of variant classification. Additional details can be found in publication PMID: 35346344, PMCID: PMC8962531

Color Diagnostics, LLC DBA Color Health
Classification: Uncertain significance for Hereditary cancer-predisposing syndrome. Last evaluated: 2023-12-04. Review status: criteria provided, single submitter. Criteria: ACMG Guidelines, 2015. Collection method: clinical testing. Allele origin: germline.
Comment: This missense variant replaces threonine with isoleucine at codon 212 of the STK11 protein. Computational prediction is inconclusive regarding the impact of this variant on protein structure and function (internally defined REVEL score threshold 0.5 < inconclusive < 0.7, PMID: 27666373). To our knowledge, functional studies have not been reported for this variant. This variant has not been reported in individuals affected with STK11-related disorders in the literature. This variant has not been identified in the general population by the Genome Aggregation Database (gnomAD). The available evidence is insufficient to determine the role of this variant in disease conclusively. Therefore, this variant is classified as a Variant of Uncertain Significance.

Labcorp Genetics (formerly Invitae), Labcorp
Classification: Uncertain significance for Peutz-Jeghers syndrome. Last evaluated: 2022-07-20. Review status: criteria provided, single submitter. Criteria: Invitae Variant Classification Sherloc (09022015). Collection method: clinical testing. Allele origin: germline.
Comment: This sequence change replaces threonine, which is neutral and polar, with isoleucine, which is neutral and non-polar, at codon 212 of the STK11 protein (p.Thr212Ile). This variant is not present in population databases (gnomAD no frequency). This variant has not been reported in the literature in individuals affected with STK11-related conditions. ClinVar contains an entry for this variant (Variation ID: 492548). Advanced modeling of protein sequence and biophysical properties (such as structural, functional, and spatial information, amino acid conservation, physicochemical variation, residue mobility, and thermodynamic stability) performed at Invitae indicates that this missense variant is expected to disrupt STK11 protein function. In summary, the available evidence is currently insufficient to determine the role of this variant in disease. Therefore, it has been classified as a Variant of Uncertain Significance.

Genome-Nilou Lab
Classification: Uncertain significance for Peutz-Jeghers syndrome. Last evaluated: 2021-07-15. Review status: criteria provided, single submitter. Criteria: ACMG Guidelines, 2015. Collection method: clinical testing. Allele origin: germline. Affected: no.

NM_000455.5(STK11):c.635C>T (p.Thr212Ile)

Gene: STK11 (serine/threonine kinase 11; plus strand). Cytogenetic location: 19p13.3.
Variant type: single nucleotide variant.
Coding change: c.635C>T on transcript NM_000455.5 (MANE Select); coding-DNA position 635, C replaced by T.
Protein change: p.Thr212Ile; replaces threonine 212 with isoleucine.
Molecular consequence: missense variant.
Genome position (GRCh38, 1-based): chr19:1,220,618, C>T. VCF-style: chr19-1220618-C-T. GRCh37 (hg19) VCF-style: chr19-1220617-C-T.
Other names: short protein forms T212I.
Identifiers: ClinVar variation 492548 (VCV000492548.18), dbSNP rs1555738389, ClinGen allele CA402949550.
Genomic context (GRCh38, chr19:1,220,618, plus strand): 5'-AGGGCTGCACGGCACCGCCACAGGCACTGCACCCGTTCGCGGCGGACGACACCTGCCGGA[C>T]CAGCCAGGGCTCCCCGGCTTTCCAGCCGCCCGAGATTGCCAACGGCCTGGACACCTTCTC-3'
Protein context (NP_000446.1, residues 202-222): HPFAADDTCR[Thr212Ile]SQGSPAFQPP